The following is an entry in ClinVar:

NM_000283.4(PDE6B):c.1861G>A (p.Gly621Ser)

Gene: PDE6B (phosphodiesterase 6B; plus strand). Cytogenetic location: 4p16.3.
Variant type: single nucleotide variant.
Coding change: c.1861G>A on transcript NM_000283.4 (MANE Select); coding-DNA position 1861, G replaced by A.
Protein change: p.Gly621Ser; replaces glycine 621 with serine.
Molecular consequence: missense variant.
Genome position (GRCh38, 1-based): chr4:663,128, G>A. VCF-style: chr4-663128-G-A. GRCh37 (hg19) VCF-style: chr4-656917-G-A.
Other names: c.1861G>A, p.Gly621Ser (NM_001145291.2); c.1024G>A, p.Gly342Ser (NM_001145292.2, NM_001350154.3, NM_001379246.1 and 1 more transcripts); c.706G>A, p.Gly236Ser (NM_001350155.3); short protein forms G236S, G342S, G621S.
Identifiers: ClinVar variation 1493868 (VCV001493868.6), dbSNP rs757161177, ClinGen allele CA2794736.

ClinVar aggregate classification (germline): Uncertain significance. Review status: criteria provided, multiple submitters, no conflicts (2 of 4 stars). 2 submissions from 2 submitters: Uncertain significance (2). Last evaluated 2021-09-17.

Allele frequency attached by ClinVar (database versions not stated): gnomAD 0.00001; ExAC 0.00002; TOPMed 0.00002; gnomAD exomes 0.00004.
gnomAD v4.1: 30 of 1,612,130 alleles (0.0019%); highest among the groups gnomAD compares: South Asian, 0.023%; no homozygotes.

Submissions (2):

Labcorp Genetics (formerly Invitae), Labcorp
Classification: Uncertain significance. Last evaluated: 2021-09-17. Review status: criteria provided, single submitter. Criteria: Invitae Variant Classification Sherloc (09022015). Collection method: clinical testing. Allele origin: germline.
Comment: This sequence change replaces glycine with serine at codon 621 of the PDE6B protein (p.Gly621Ser). The glycine residue is highly conserved and there is a small physicochemical difference between glycine and serine. This variant is present in population databases (rs757161177, ExAC 0.02%). This variant has not been reported in the literature in individuals affected with PDE6B-related conditions. Algorithms developed to predict the effect of missense changes on protein structure and function (SIFT, PolyPhen-2, Align-GVGD) all suggest that this variant is likely to be tolerated. In summary, the available evidence is currently insufficient to determine the role of this variant in disease. Therefore, it has been classified as a Variant of Uncertain Significance.

Blueprint Genetics
Classification: Uncertain significance. Last evaluated: 2019-06-29. Review status: criteria provided, single submitter. Criteria: ACMG Guidelines, 2015. Collection method: clinical testing. Allele origin: germline.